The following is an entry in ClinVar:

NM_002335.4(LRP5):c.3541G>A (p.Glu1181Lys)

Gene: LRP5 (LDL receptor related protein 5; plus strand). Cytogenetic location: 11q13.2.
Variant type: single nucleotide variant.
Coding change: c.3541G>A on transcript NM_002335.4 (MANE Select); coding-DNA position 3541, G replaced by A.
Protein change: p.Glu1181Lys; replaces glutamic acid 1181 with lysine.
Molecular consequence: missense variant.
Genome position (GRCh38, 1-based): chr11:68,426,091, G>A. VCF-style: chr11-68426091-G-A. GRCh37 (hg19) VCF-style: chr11-68193559-G-A.
Other names: c.1798G>A, p.Glu600Lys (NM_001291902.2); short protein forms E600K, E1181K.
Identifiers: ClinVar variation 2133134 (VCV002133134.4), dbSNP rs2496832580, ClinGen allele CA381621906.

ClinVar aggregate classification (germline): Uncertain significance (1 of 4 stars; one submission).

Submission:

Labcorp Genetics (formerly Invitae), Labcorp
Classification: Uncertain significance. Last evaluated: 2022-06-29. Review status: criteria provided, single submitter. Criteria: Invitae Variant Classification Sherloc (09022015). Collection method: clinical testing. Allele origin: germline.
Comment: This sequence change replaces glutamic acid, which is acidic and polar, with lysine, which is basic and polar, at codon 1181 of the LRP5 protein (p.Glu1181Lys). This variant is not present in population databases (gnomAD no frequency). This variant has not been reported in the literature in individuals affected with LRP5-related conditions. Advanced modeling of protein sequence and biophysical properties (such as structural, functional, and spatial information, amino acid conservation, physicochemical variation, residue mobility, and thermodynamic stability) performed at Invitae indicates that this missense variant is not expected to disrupt LRP5 protein function. In summary, the available evidence is currently insufficient to determine the role of this variant in disease. Therefore, it has been classified as a Variant of Uncertain Significance.